The following is an entry in ClinVar:

NM_001367479.1(DNAH14):c.3007T>C (p.Trp1003Arg)

Gene: DNAH14 (dynein axonemal heavy chain 14; plus strand). Cytogenetic location: 1q42.12.
Variant type: single nucleotide variant.
Coding change: c.3007T>C on transcript NM_001367479.1 (MANE Select); coding-DNA position 3007, T replaced by C.
Protein change: p.Trp1003Arg; replaces tryptophan 1003 with arginine.
Molecular consequence: missense variant.
Genome position (GRCh38, 1-based): chr1:225,080,619, T>C. VCF-style: chr1-225080619-T-C. GRCh37 (hg19) VCF-style: chr1-225268321-T-C.
Other names: NM_001373.1:c.3007T>C; short protein forms W1003R.
Identifiers: ClinVar variation 3893626 (VCV003893626.1).
Genomic context (GRCh38, chr1:225,080,619, plus strand): 5'-CAGATTGTGCTTTCAGAGATCTCTGACATTGAAGGTGACTTGACTTTGAGGAAAAAACTA[T>C]GGGAAGCACAAGAGGAGTGGAAGCGAGCCTCTTGGGAATGGAGGAATAGTTCTCTTCAAA-3'
Protein context (NP_001354408.1, residues 993-1013): EGDLTLRKKL[Trp1003Arg]EAQEEWKRAS

ClinVar aggregate classification (germline): Uncertain significance (1 of 4 stars; one submission).

gnomAD v4.1: 2 of 1,552,098 alleles (0.00013%); highest among the groups gnomAD compares: Middle Eastern, 0.017%; no homozygotes.

Submission:

GeneDx
Classification: Uncertain significance. Last evaluated: 2024-10-27. Review status: criteria provided, single submitter. Criteria: GeneDx Variant Classification Process June 2021. Collection method: clinical testing. Allele origin: germline. Affected: yes.
Comment: Not observed at significant frequency in large population cohorts (gnomAD); In silico analysis supports that this missense variant has a deleterious effect on protein structure/function; Has not been previously published as pathogenic or benign to our knowledge